The following is an entry in ClinVar:

ClinVar aggregate classification (germline): Conflicting classifications of pathogenicity. Review status: criteria provided, conflicting classifications (1 of 4 stars). 6 submissions from 6 submitters: Uncertain significance (1); Likely benign (4). 1 of the submissions does not count toward it. Last evaluated 2026-07-01.

Conditions:
Stormorken syndrome (STRMK). Also called: THROMBOCYTOPATHY, ASPLENIA, AND MIOSIS. Identifiers: Orphanet 3204, MedGen C1861451, MONDO:0008497, OMIM 185070.
Combined immunodeficiency due to STIM1 deficiency. Also called: IMMUNODEFICIENCY 10; STIM1 DEFICIENCY. Identifiers: Orphanet 169090, Orphanet 317430, MedGen C2748557, MONDO:0013008, OMIM 612783.
Myopathy, tubular aggregate, 1 (TAM1). Identifiers: MedGen C4011726, MONDO:0024531, OMIM 160565.
STIM1-related disorder. Also called: STIM1-related condition.

Allele frequency attached by ClinVar (database versions not stated): ExAC 0.00064; gnomAD 0.00229; TOPMed 0.00295; 1000 Genomes Project 0.00300; 1000 Genomes Project 30x 0.00344.
gnomAD v4.1: 652 of 1,536,526 alleles (0.042%); highest among the groups gnomAD compares: African/African-American, 0.78%; 1 homozygote.

Submissions (6):

CeGaT Center for Human Genetics Tuebingen
Classification: Likely benign. Last evaluated: 2026-07-01. Review status: criteria provided, single submitter. Criteria: CeGaT Center For Human Genetics Tuebingen Variant Classification Criteria Version 2. Collection method: clinical testing. Allele origin: germline. Affected: yes. Observed: 1 variant allele.
Comment: STIM1: BP4, BS2

Mayo Clinic Laboratories, Mayo Clinic
Classification: Likely benign. Last evaluated: 2023-12-20. Review status: criteria provided, single submitter. Criteria: ACMG Guidelines, 2015. Collection method: clinical testing. Allele origin: germline. Observed: 4 variant alleles.
Comment: BS1

Blueprint Genetics
Classification: Likely benign. Last evaluated: 2023-12-08. Review status: criteria provided, single submitter. Criteria: ACMG Guidelines, 2015. Collection method: clinical testing. Allele origin: germline.

GeneDx
Classification: Likely benign. Last evaluated: 2021-04-24. Review status: criteria provided, single submitter. Criteria: GeneDx Variant Classification Process June 2021. Collection method: clinical testing. Allele origin: germline. Affected: yes.

Center for Genomics, Ann and Robert H. Lurie Children's Hospital of Chicago
Classification: Uncertain significance for Myopathy, tubular aggregate, 1; Stormorken syndrome; Combined immunodeficiency due to STIM1 deficiency. Review status: criteria provided, single submitter. Criteria: ACMG Guidelines, 2015. Collection method: clinical testing. Allele origin: germline.
Comment: This variant has not been reported in the literature but is present in the Genome Aggregation Database (Highest reported MAF 0.8% (341/41458) including 1 homozygote. This variant is present in ClinVar (Variation ID:506350). Evolutionary conservation and computational predictive tools suggest that this variant may not impact the protein. In summary, data on this variant is insufficient for disease classification. Therefore, the clinical significance of this variant is uncertain.

PreventionGenetics, part of Exact Sciences
Classification: Benign for STIM1-related condition. Last evaluated: 2019-07-19. Review status: no assertion criteria provided. Collection method: clinical testing. Allele origin: germline. Not counted in ClinVar's aggregate classification.
Comment: This variant is classified as benign based on ACMG/AMP sequence variant interpretation guidelines (Richards et al. 2015 PMID: 25741868, with internal and published modifications).

NM_001382567.1(STIM1):c.1634+269C>G

Gene: STIM1 (stromal interaction molecule 1; plus strand). Cytogenetic location: 11p15.4.
Variant type: single nucleotide variant.
Coding change: c.1634+269C>G on transcript NM_001382567.1 (MANE Select); 269 bases into the intron after coding-DNA position 1634, C replaced by G.
Molecular consequence: intron variant. On other transcripts: missense variant (2).
Genome position (GRCh38, 1-based): chr11:4,086,812, C>G. VCF-style: chr11-4086812-C-G. GRCh37 (hg19) VCF-style: chr11-4108042-C-G.
Other names: p.?; c.1810C>G, p.Pro604Ala (NM_001277961.3); c.1588C>G, p.Pro530Ala (NM_001382566.1); c.1319+269C>G (NM_001382578.1, NM_001382575.1, NM_001382576.1 and 2 more transcripts); c.1052+269C>G (NM_001382580.1, NM_001382581.1); c.1562+269C>G (NM_001382568.1); c.1541+269C>G (NM_001277962.2, NM_003156.4); c.1313+269C>G (NM_001382570.1); and 3 more; short protein forms P604A, P530A.
Identifiers: ClinVar variation 506350 (VCV000506350.9), dbSNP rs139558513, ClinGen allele CA5830563.